The following is an entry in ClinVar:

ClinVar aggregate classification (germline): Pathogenic (1 of 4 stars; one submission).

Conditions:
Cerebral cavernous malformation (CCM). Also called: CAVERNOUS ANGIOMA, FAMILIAL; CAVERNOUS ANGIOMATOUS MALFORMATIONS; CEREBRAL CAPILLARY MALFORMATIONS; Cavernous Hemangioma of Brain; Cerebral cavernous hemangioma (type); Cerebral cavernous malformations. Identifiers: Orphanet 221061, MedGen C2919945, MONDO:0000820, OMIM 116860, HP:0033522.

Submission:

Labcorp Genetics (formerly Invitae), Labcorp
Classification: Pathogenic for Cerebral cavernous malformation. Last evaluated: 2017-09-12. Review status: criteria provided, single submitter. Criteria: Invitae Variant Classification Sherloc (09022015). Collection method: clinical testing. Allele origin: germline.
Comment: Loss-of-function variants in KRIT1 are known to be pathogenic (PMID: 10508515, 11222804, 12404106). This variant has not been reported in the literature in individuals with a KRIT1-related disease. This variant is not present in population databases (ExAC no frequency). This sequence change creates a premature translational stop signal (p.Tyr327Serfs*10) in the KRIT1 gene. It is expected to result in an absent or disrupted protein product. For these reasons, this variant has been classified as Pathogenic.

Literature cited by the submitters: PubMed 10508515; PubMed 11222804; PubMed 12404106.

NM_194454.3(KRIT1):c.976_979dup (p.Tyr327fs)

Gene: KRIT1 (KRIT1 ankyrin repeat containing; minus strand). Cytogenetic location: 7q21.2.
Variant type: Microsatellite.
Coding change: c.976_979dup on transcript NM_194454.3 (MANE Select); coding-DNA positions 976 to 979, 4 bases duplicated (CATT; older notation c.976_979dupCATT).
Protein change: p.Tyr327fs; shifts the reading frame from tyrosine 327.
Molecular consequence: frameshift variant. On other transcripts: intron variant (3).
Genome position (GRCh38, 1-based): chr7:92,234,459-92,234,462, AATG duplicated on the plus strand (CATT on the coding strand, the reverse complement: KRIT1 is on the minus strand); duplicating any 4 consecutive bases within chr7:92,234,459-92,234,466 gives the same sequence; the c. name uses the placement nearest the transcript's 3' end. VCF-style (leftmost placement, unchanged base first): chr7-92234458-T-TAATG. GRCh37 (hg19) VCF-style: chr7-91863772-T-TAATG.
Other names: c.262_265dup, p.Tyr89fs (NM_001350671.1); c.976_979dup, p.Tyr327fs (NM_001350672.1, NM_001350673.1, NM_001350674.1 and 26 more transcripts); c.845+342CATT[3] (NM_001350669.1, NM_001013406.2, NM_001350670.1); short protein forms Y89fs, Y327fs.
Identifiers: ClinVar variation 536121 (VCV000536121.7), dbSNP rs1326827713, ClinGen allele CA658796969.